The following is an entry in ClinVar:

NM_018451.5(CPAP):c.1749A>C (p.Gln583His)

Gene: CPAP (centrosome assembly and centriole elongation protein; minus strand). Cytogenetic location: 13q12.13.
Variant type: single nucleotide variant.
Coding change: c.1749A>C on transcript NM_018451.5 (MANE Select); coding-DNA position 1749, A replaced by C.
Protein change: p.Gln583His; replaces glutamine 583 with histidine.
Molecular consequence: missense variant. On other transcripts: non-coding transcript variant (2).
Genome position (GRCh38, 1-based): chr13:24,906,289, T>G on the plus strand (A>C on the coding strand, the complement: CPAP is on the minus strand). VCF-style: chr13-24906289-T-G. GRCh37 (hg19) VCF-style: chr13-25480427-T-G.
Other names: short protein forms Q583H.
Identifiers: ClinVar variation 1414299 (VCV001414299.5), dbSNP rs746938343, ClinGen allele CA6919705.
Genomic context (GRCh38, chr13:24,906,289, plus strand): 5'-CCTTTCTAAGATTTTCAGTACAAATGAGGAATTACTAGAAAATGATATTTCATCAGCAGC[T>G]TGTTCTAAAAACAAAAATTCATCTAATTCCAAATTTTCCTTTTCCTTTTCTCGTTCCCAA-3'
Protein context (NP_060921.3, residues 573-593): LELDEFLFLE[Gln583His]AADEISFSSN

ClinVar aggregate classification (germline): Uncertain significance. Review status: criteria provided, multiple submitters, no conflicts (2 of 4 stars). 3 submissions from 3 submitters: Uncertain significance (2). 1 of the submissions does not count toward it. Last evaluated 2022-07-12.

Conditions:
Meniere disease. Also called: Ménière's disease. Identifiers: MedGen C0025281, MONDO:0007972, OMIM 156000.

Allele frequency attached by ClinVar (database versions not stated): gnomAD exomes 0.00004; ExAC 0.00005; gnomAD 0.00005; TOPMed 0.00005.
gnomAD v4.1: 34 of 1,601,482 alleles (0.0021%); highest among the groups gnomAD compares: Non-Finnish European, 0.0029%; no homozygotes.

Submissions (3):

Labcorp Genetics (formerly Invitae), Labcorp
Classification: Uncertain significance. Last evaluated: 2022-07-12. Review status: criteria provided, single submitter. Criteria: Invitae Variant Classification Sherloc (09022015). Collection method: clinical testing. Allele origin: germline.
Comment: This sequence change replaces glutamine, which is neutral and polar, with histidine, which is basic and polar, at codon 583 of the CENPJ protein (p.Gln583His). This variant is present in population databases (rs746938343, gnomAD 0.007%). This variant has not been reported in the literature in individuals affected with CENPJ-related conditions. ClinVar contains an entry for this variant (Variation ID: 1414299). Algorithms developed to predict the effect of missense changes on protein structure and function are either unavailable or do not agree on the potential impact of this missense change (SIFT: "Deleterious"; PolyPhen-2: "Possibly Damaging"; Align-GVGD: "Class C0"). In summary, the available evidence is currently insufficient to determine the role of this variant in disease. Therefore, it has been classified as a Variant of Uncertain Significance.

Blueprint Genetics
Classification: Uncertain significance. Last evaluated: 2021-06-15. Review status: criteria provided, single submitter. Criteria: ACMG Guidelines, 2015. Collection method: clinical testing. Allele origin: germline.

Center for Computational Biology & Bioinformatics, University of California, San Diego
Classification: Uncertain significance for Meniere disease. Last evaluated: 2024-06-03. Review status: no assertion criteria provided. Collection method: research. Allele origin: germline. Affected: yes. Not counted in ClinVar's aggregate classification.